The following is an entry in ClinVar:

NM_025099.6(CTC1):c.2594C>T (p.Ser865Phe)

Gene: CTC1 (CST telomere replication complex component 1; minus strand). Cytogenetic location: 17p13.1.
Variant type: single nucleotide variant.
Coding change: c.2594C>T on transcript NM_025099.6 (MANE Select); coding-DNA position 2594, C replaced by T.
Protein change: p.Ser865Phe; replaces serine 865 with phenylalanine.
Molecular consequence: missense variant. On other transcripts: non-coding transcript variant (1).
Genome position (GRCh38, 1-based): chr17:8,231,351, G>A on the plus strand (C>T on the coding strand, the complement: CTC1 is on the minus strand). VCF-style: chr17-8231351-G-A. GRCh37 (hg19) VCF-style: chr17-8134669-G-A.
Other names: c.2594C>T, p.Ser865Phe (NM_001411067.1); short protein forms S865F.
Identifiers: ClinVar variation 3668952 (VCV003668952.1).

ClinVar aggregate classification (germline): Uncertain significance (1 of 4 stars; one submission).

Conditions:
Dyskeratosis congenita. Identifiers: Orphanet 1775, MedGen C0265965, MONDO:0015780.

gnomAD v4.1: 2 of 1,611,662 alleles (0.00012%); highest among the groups gnomAD compares: African/African-American, 0.0013%; no homozygotes.

Submission:

Labcorp Genetics (formerly Invitae), Labcorp
Classification: Uncertain significance for Dyskeratosis congenita. Last evaluated: 2024-04-03. Review status: criteria provided, single submitter. Criteria: Invitae Variant Classification Sherloc (09022015). Collection method: clinical testing. Allele origin: germline.
Comment: This sequence change replaces serine, which is neutral and polar, with phenylalanine, which is neutral and non-polar, at codon 865 of the CTC1 protein (p.Ser865Phe). This variant is not present in population databases (gnomAD no frequency). This variant has not been reported in the literature in individuals affected with CTC1-related conditions. Advanced modeling of protein sequence and biophysical properties (such as structural, functional, and spatial information, amino acid conservation, physicochemical variation, residue mobility, and thermodynamic stability) performed at Invitae indicates that this missense variant is expected to disrupt CTC1 protein function with a positive predictive value of 80%. In summary, the available evidence is currently insufficient to determine the role of this variant in disease. Therefore, it has been classified as a Variant of Uncertain Significance.